The following is an entry in ClinVar:

ClinVar aggregate classification (germline): Pathogenic (1 of 4 stars; one submission).

Submission:

Labcorp Genetics (formerly Invitae), Labcorp
Classification: Pathogenic. Last evaluated: 2023-12-14. Review status: criteria provided, single submitter. Criteria: Invitae Variant Classification Sherloc (09022015). Collection method: clinical testing. Allele origin: germline.
Comment: This variant is a gross deletion of the genomic region encompassing exon(s) 1-2 of the C11orf70 gene, which includes the initiator codon. This deletion extends beyond the assayed region for this gene and therefore may encompass additional genes. It is expected to result in an absent or disrupted protein product. Loss-of-function variants in C11orf70 are known to be pathogenic (PMID: 29727692, 29727693). This variant has not been reported in the literature in individuals affected with C11orf70-related conditions. For these reasons, this variant has been classified as Pathogenic.

Literature cited by the submitters: PubMed 29727692; PubMed 29727693.

NC_000011.9:g.(?_101918202)_(101918647_?)del

Gene: CFAP300 (cilia and flagella associated protein 300; plus strand). Cytogenetic location: 11q22.1.
Variant type: Deletion.
Identifiers: ClinVar variation 1681441 (VCV001681441.5).